The following is an entry in ClinVar:

NM_015213.4(DENND5A):c.955C>T (p.Gln319Ter)

Gene: DENND5A (DENN domain containing 5A; minus strand). Cytogenetic location: 11p15.4.
Variant type: single nucleotide variant.
Coding change: c.955C>T on transcript NM_015213.4 (MANE Select); coding-DNA position 955, C replaced by T.
Protein change: p.Gln319Ter; replaces glutamine 319 with a stop codon.
Molecular consequence: nonsense. On other transcripts: non-coding transcript variant (1).
Genome position (GRCh38, 1-based): chr11:9,193,676, G>A on the plus strand (C>T on the coding strand, the complement: DENND5A is on the minus strand). VCF-style: chr11-9193676-G-A. GRCh37 (hg19) VCF-style: chr11-9215223-G-A.
Other names: c.955C>T, p.Gln319Ter (NM_001243254.2, NM_001348748.1); c.883C>T, p.Gln295Ter (NM_001348749.2); c.667C>T, p.Gln223Ter (NM_001348750.2); c.955C>T (NM_015213.3); short protein forms Q223*, Q295*, Q319*.
Identifiers: ClinVar variation 2066479 (VCV002066479.5), dbSNP rs915371303, ClinGen allele CA217542926.
Genomic context (GRCh38, chr11:9,193,676, plus strand): 5'-GCTGCCACTGGAAAGGAAACATGAGAGCTGTAATCGTCTCCGCCACAGTCATCAGTCTCT[G>A]GTAATCTGGGTCAACAACAACAAAAAAAGCACACACACAAATCAGTCAAAAACAAGGCAC-3'

ClinVar aggregate classification (germline): Pathogenic/Likely pathogenic. Review status: criteria provided, multiple submitters, no conflicts (2 of 4 stars). 2 submissions from 2 submitters: Pathogenic (1); Likely pathogenic (1). Last evaluated 2024-10-03.

Conditions:
DENND5A-related disorder. Also called: DENND5A-related condition.

Allele frequency attached by ClinVar (database versions not stated): gnomAD exomes below 0.00001; TOPMed 0.00001.
gnomAD v4.1: 1 of 1,604,018 alleles (0.000062%); highest among the groups gnomAD compares: African/African-American, 0.0013%; no homozygotes.

Submissions (2):

PreventionGenetics, part of Exact Sciences
Classification: Likely pathogenic for DENND5A-related condition. Last evaluated: 2024-10-03. Review status: criteria provided, single submitter. Criteria: ACMG Guidelines, 2015. Collection method: clinical testing. Allele origin: germline.
Comment: The DENND5A c.955C>T variant is predicted to result in premature protein termination (p.Gln319*). To our knowledge, this variant has not been reported in the literature. This variant has not been reported in a large population database (gnomAD), indicating this variant is rare. Nonsense variants in DENND5A are expected to be pathogenic. This variant is interpreted as likely pathogenic.

Labcorp Genetics (formerly Invitae), Labcorp
Classification: Pathogenic. Last evaluated: 2024-02-24. Review status: criteria provided, single submitter. Criteria: Invitae Variant Classification Sherloc (09022015). Collection method: clinical testing. Allele origin: germline.
Comment: This sequence change creates a premature translational stop signal (p.Gln319*) in the DENND5A gene. It is expected to result in an absent or disrupted protein product. Loss-of-function variants in DENND5A are known to be pathogenic (PMID: 27431290, 27866705). This variant is not present in population databases (gnomAD no frequency). This variant has not been reported in the literature in individuals affected with DENND5A-related conditions. ClinVar contains an entry for this variant (Variation ID: 2066479). Algorithms developed to predict the effect of sequence changes on RNA splicing suggest that this variant may create or strengthen a splice site. For these reasons, this variant has been classified as Pathogenic.

Literature cited by the submitters: PubMed 27431290 (cited by Labcorp Genetics (formerly Invitae), Labcorp); PubMed 27866705 (cited by Labcorp Genetics (formerly Invitae), Labcorp).